The following is an entry in ClinVar:

NC_000006.11:g.(?_157099064)_(157529025_?)dup

Gene: ARID1B (AT-rich interaction domain 1B; plus strand). Cytogenetic location: 6q25.3.
Variant type: Duplication.
Identifiers: ClinVar variation 2426585 (VCV002426585.3).

ClinVar aggregate classification (germline): Uncertain significance (1 of 4 stars; one submission).

Submission:

Labcorp Genetics (formerly Invitae), Labcorp
Classification: Uncertain significance. Last evaluated: 2022-06-14. Review status: criteria provided, single submitter. Criteria: Invitae Variant Classification Sherloc (09022015). Collection method: clinical testing. Allele origin: germline.
Comment: In summary, the available evidence is currently insufficient to determine the role of this variant in disease. Therefore, it has been classified as a Variant of Uncertain Significance. Experimental studies and prediction algorithms are not available or were not evaluated, and the functional significance of this variant is currently unknown. This variant has not been reported in the literature in individuals affected with ARID1B-related conditions. A copy number gain of the genomic region encompassing the full coding sequence of the ARID1B gene has been identified. The boundaries of this event are unknown as they extend beyond the assayed region for this gene and therefore may encompass additional genes. As the precise location of this event is unknown, it may be in tandem or it may be located elsewhere in the genome.